The following is an entry in ClinVar:

NM_000379.4(XDH):c.2666G>C (p.Cys889Ser)

Gene: XDH (xanthine dehydrogenase; minus strand). Cytogenetic location: 2p23.1.
Variant type: single nucleotide variant.
Coding change: c.2666G>C on transcript NM_000379.4 (MANE Select); coding-DNA position 2666, G replaced by C.
Protein change: p.Cys889Ser; replaces cysteine 889 with serine.
Molecular consequence: missense variant.
Genome position (GRCh38, 1-based): chr2:31,350,189, C>G on the plus strand (G>C on the coding strand, the complement: XDH is on the minus strand). VCF-style: chr2-31350189-C-G. GRCh37 (hg19) VCF-style: chr2-31573055-C-G.
Other names: short protein forms C889S.
Identifiers: ClinVar variation 2077250 (VCV002077250.4), dbSNP rs1277151568, ClinGen allele CA346501037.

ClinVar aggregate classification (germline): Uncertain significance (1 of 4 stars; one submission).

Conditions:
Xanthinuria type II. Also called: Xanthine dehydrogenase and aldehyde oxidase combined deficiency of; XDH and AOX dual deficiency. Identifiers: Orphanet 3467, Orphanet 93602, MedGen C1863688, MONDO:0011346, OMIM 603592.

Submission:

Labcorp Genetics (formerly Invitae), Labcorp
Classification: Uncertain significance for Xanthinuria type II. Last evaluated: 2021-12-23. Review status: criteria provided, single submitter. Criteria: Invitae Variant Classification Sherloc (09022015). Collection method: clinical testing. Allele origin: germline.
Comment: This sequence change replaces cysteine, which is neutral and slightly polar, with serine, which is neutral and polar, at codon 889 of the XDH protein (p.Cys889Ser). This variant is not present in population databases (gnomAD no frequency). This variant has not been reported in the literature in individuals affected with XDH-related conditions. Algorithms developed to predict the effect of missense changes on protein structure and function output the following: SIFT: "Tolerated"; PolyPhen-2: "Benign"; Align-GVGD: "Class C0". The serine amino acid residue is found in multiple mammalian species, which suggests that this missense change does not adversely affect protein function. In summary, the available evidence is currently insufficient to determine the role of this variant in disease. Therefore, it has been classified as a Variant of Uncertain Significance.